The following is an entry in ClinVar:

NM_001376571.1(MADD):c.417C>G (p.Gly139=)

Gene: MADD (MAP kinase activating death domain; plus strand). Cytogenetic location: 11p11.2.
Variant type: single nucleotide variant.
Coding change: c.417C>G on transcript NM_001376571.1 (MANE Select); coding-DNA position 417, C replaced by G.
Protein change: p.Gly139=; no amino-acid change (glycine 139 retained).
Molecular consequence: synonymous variant. On other transcripts: non-coding transcript variant (8), intron variant (1).
Genome position (GRCh38, 1-based): chr11:47,274,917, C>G. VCF-style: chr11-47274917-C-G. GRCh37 (hg19) VCF-style: chr11-47296468-C-G.
Other names: c.417C>G, p.Gly139= (NM_001376596.1, NM_001376597.1, NM_001376598.1 and 80 more transcripts); c.213C>G, p.Gly71= (NM_001376620.1, NM_001376626.1, NM_001376627.1 and 9 more transcripts); c.-7-982C>G (NM_001376663.1); c.417C>G (NM_003682.3).
Identifiers: ClinVar variation 1335068 (VCV001335068.36), dbSNP rs138027707, ClinGen allele CA5973861.

ClinVar aggregate classification (germline): Likely benign. Review status: criteria provided, single submitter (1 of 4 stars). 2 submissions from 2 submitters: Likely benign (1). 1 of the submissions does not count toward it. Last evaluated 2025-06-01.

Conditions:
MADD-related disorder. Also called: MADD-related condition; MADD-Related Disorders.

Allele frequency attached by ClinVar (database versions not stated): 1000 Genomes Project 0.00040; 1000 Genomes Project 30x 0.00047; ExAC 0.00056; gnomAD exomes 0.00071; TOPMed 0.00083; gnomAD 0.00092 and 0.00095; ESP Exome Variant Server 0.00115.
gnomAD v4.1: 2,578 of 1,613,724 alleles (0.16%); highest among the groups gnomAD compares: Non-Finnish European, 0.2%; 4 homozygotes.

Submissions (2):

CeGaT Center for Human Genetics Tuebingen
Classification: Likely benign. Last evaluated: 2025-06-01. Review status: criteria provided, single submitter. Criteria: CeGaT Center For Human Genetics Tuebingen Variant Classification Criteria Version 2. Collection method: clinical testing. Allele origin: germline. Affected: yes. Observed: 5 variant alleles.
Comment: MADD: BP4, BP7

PreventionGenetics, part of Exact Sciences
Classification: Likely benign for MADD-related condition. Last evaluated: 2019-03-15. Review status: no assertion criteria provided. Collection method: clinical testing. Allele origin: germline. Not counted in ClinVar's aggregate classification.
Comment: This variant is classified as likely benign based on ACMG/AMP sequence variant interpretation guidelines (Richards et al. 2015 PMID: 25741868, with internal and published modifications).